The following is an entry in ClinVar:

NM_014249.4(NR2E3):c.860G>T (p.Gly287Val)

Gene: NR2E3 (nuclear receptor subfamily 2 group E member 3; plus strand). Cytogenetic location: 15q23.
Variant type: single nucleotide variant.
Coding change: c.860G>T on transcript NM_014249.4 (MANE Select); coding-DNA position 860, G replaced by T.
Protein change: p.Gly287Val; replaces glycine 287 with valine.
Molecular consequence: missense variant.
Genome position (GRCh38, 1-based): chr15:71,813,501, G>T. VCF-style: chr15-71813501-G-T. GRCh37 (hg19) VCF-style: chr15-72105841-G-T.
Other names: c.860G>T, p.Gly287Val (NM_016346.4); short protein forms G287V.
Identifiers: ClinVar variation 2143138 (VCV002143138.2), dbSNP rs752309343, ClinGen allele CA7640415.

ClinVar aggregate classification (germline): Uncertain significance. Review status: criteria provided, multiple submitters, no conflicts (2 of 4 stars). 2 submissions from 2 submitters: Uncertain significance (2). Last evaluated 2022-08-15.

gnomAD v4.1: 7 of 1,612,910 alleles (0.00043%); highest among the groups gnomAD compares: Non-Finnish European, 0.00059%; no homozygotes.

Submissions (2):

Blueprint Genetics
Classification: Uncertain significance. Last evaluated: 2022-08-15. Review status: criteria provided, single submitter. Criteria: ACMG Guidelines, 2015. Collection method: clinical testing. Allele origin: germline.

Labcorp Genetics (formerly Invitae), Labcorp
Classification: Uncertain significance. Last evaluated: 2022-05-27. Review status: criteria provided, single submitter. Criteria: Invitae Variant Classification Sherloc (09022015). Collection method: clinical testing. Allele origin: germline.
Comment: This sequence change replaces glycine, which is neutral and non-polar, with valine, which is neutral and non-polar, at codon 287 of the NR2E3 protein (p.Gly287Val). The frequency data for this variant in the population databases is considered unreliable, as metrics indicate poor data quality at this position in the gnomAD database. This variant has not been reported in the literature in individuals affected with NR2E3-related conditions. In summary, the available evidence is currently insufficient to determine the role of this variant in disease. Therefore, it has been classified as a Variant of Uncertain Significance.